The following is an entry in ClinVar:

ClinVar aggregate classification (germline): Pathogenic/Likely pathogenic. Review status: criteria provided, multiple submitters, no conflicts (2 of 4 stars). 9 submissions from 9 submitters: Pathogenic (8); Likely pathogenic (1). Last evaluated 2026-03-02.

Conditions:
ALPL-related disorder. Also called: ALPL-related condition; ALPL-related disorders.
Childhood hypophosphatasia. Identifiers: Orphanet 247667, Orphanet 436, MedGen C0220743, MONDO:1010168, OMIM 241510, MONDO:0009428.
Infantile hypophosphatasia. Identifiers: Orphanet 247651, Orphanet 436, MedGen C0268412, MONDO:1010169, OMIM 241500, MONDO:0009427.
Adult hypophosphatasia. Identifiers: Orphanet 247676, Orphanet 436, MedGen C0268413, MONDO:1010154, OMIM 146300, MONDO:0007798.
Hypophosphatasia. Also called: Phosphoethanol-aminuria. Identifiers: Orphanet 436, MedGen C0020630, MeSH D007014, MONDO:0018570.

Allele frequency attached by ClinVar (database versions not stated): gnomAD exomes 0.00001.
gnomAD v4.1: 14 of 1,613,460 alleles (0.00087%); highest among the groups gnomAD compares: Non-Finnish European, 0.0011%; no homozygotes.

Submissions (9):

Dasa
Classification: Pathogenic. Last evaluated: 2026-03-02. Review status: criteria provided, single submitter. Criteria: DASA Assertion Criteria. Collection method: clinical testing. Allele origin: germline.
Comment: NM_000478.6(ALPL):c.340G>A (p.Ala114Thr) is a missense variant that results in the substitution of alanine with threonine. The affected residue or protein region has prior evidence supporting clinical relevance. Functional evidence supports a deleterious effect on the gene or gene product (PMID: 25731960; PMID: 35878747; PMID: 32160374; PMID: 33579333; PMID: 28127875). This variant has been recurrently observed in individuals with related phenotype (PMID: 25731960; PMID: 35878747; PMID: 32160374; PMID: 33579333; PMID: 28127875). Multiple computational predictions support a deleterious effect on the gene or gene product. The variant is present at low frequency in population datasets. Based on the available data, this variant is classified as pathogenic.

Labcorp Genetics (formerly Invitae), Labcorp
Classification: Pathogenic. Last evaluated: 2026-01-03. Review status: criteria provided, single submitter. Criteria: Invitae Variant Classification Sherloc (09022015). Collection method: clinical testing. Allele origin: germline.
Comment: This sequence change replaces alanine, which is neutral and non-polar, with threonine, which is neutral and polar, at codon 114 of the ALPL protein (p.Ala114Thr). This variant is not present in population databases (gnomAD no frequency). This missense change has been observed in individual(s) with hypophosphatasia (PMID: 11547844; internal data). This variant is also known as Ala97Thr. ClinVar contains an entry for this variant (Variation ID: 449399). Invitae Evidence Modeling of protein sequence and biophysical properties (such as structural, functional, and spatial information, amino acid conservation, physicochemical variation, residue mobility, and thermodynamic stability) indicates that this missense variant is expected to disrupt ALPL protein function with a positive predictive value of 95%. For these reasons, this variant has been classified as Pathogenic.

Genomenon, Inc
Classification: Pathogenic for Hypophosphatasia. Last evaluated: 2025-08-29. Review status: criteria provided, single submitter. Criteria: Genomenon Sequence Variant Interpretation Standards. Collection method: curation. Allele origin: germline. Affected: yes.
Comment: ALPL p.Ala114Thr (c.340G>A) is a missense variant that changes the amino acid at residue 114 from Alanine to Threonine. This variant has been observed in at least one proband affected with hypophosphatasia (PMID:35878747;29236161;25731960;33579333;28127875;11547844). At least one functional study has demonstrated a substantial alteration in protein function relative to the wild-type (PMID:32160374). It is absent or not present at a significant frequency in gnomAD. In silico models agree that this variant is possibly or probably damaging. In conclusion, we classify ALPL p.Ala114Thr (c.340G>A) as a pathogenic variant.

Women's Health and Genetics/Laboratory Corporation of America, LabCorp
Classification: Pathogenic for Hypophosphatasia. Last evaluated: 2025-05-20. Review status: criteria provided, single submitter. Criteria: LabCorp Variant Classification Summary - May 2015. Collection method: clinical testing. Allele origin: germline.
Comment: Variant summary: ALPL c.340G>A (p.Ala114Thr) results in a non-conservative amino acid change in the encoded protein sequence. Algorithms developed to predict the effect of missense changes on protein structure and function all suggest that this variant is likely to be disruptive. The frequency data for this variant in gnomAD is considered unreliable, as metrics indicate poor data quality at this position. c.340G>A has been reported in the literature in individuals affected with Hypophosphatasia (Example: Del Angel_2020, Durrough_2021, Taillandier_2018, Tenorio_2017 and Whyte_2015, Pierpont_2021, Mumm_2001, internal data). At least one publication reports experimental evidence evaluating an impact on protein function and show severely decreased enzyme activity (Del Angel_2020). The following publications have been ascertained in the context of this evaluation (PMID: 32160374, 33069919, 31400546, 11547844, 33579333, 29236161, 28127875, 25731960). ClinVar contains an entry for this variant (Variation ID: 449399). Based on the evidence outlined above, the variant was classified as pathogenic.

Natera, Inc.
Classification: Pathogenic for Hypophosphatasia. Last evaluated: 2024-10-11. Review status: criteria provided, single submitter. Criteria: Natera Variant Classification Schema (03/2026). Collection method: clinical testing. Allele origin: germline.
Comment: The c.340G>A variant in ALPL is a missense variant predicted to cause substitution of alanine to threonine at amino acid 114. This variant is rare in the general population with a frequency below the threshold expected for the associated phenotype(s). This variant has been observed in one or more individuals affected with the associated recessive disease, as either homozygous or compound heterozygous with a second variant (PMID: 32160374, 27699270, 36361766, 11547844, 32973344). This variant has been observed in affected individual(s) with monoallelic occurrence (heterozygous/hemizygous) (PMID: 32973344, 33579333, 35878747). Functional studies show that this variant may disrupt protein function (PMID: 32160374). Computational prediction algorithms indicate this variant is likely to affect gene or protein function. Given the available evidence, this variant is classified as Pathogenic.

Baylor Genetics
Classification: Pathogenic for Adult hypophosphatasia. Last evaluated: 2024-02-26. Review status: criteria provided, single submitter. Criteria: ACMG Guidelines, 2015. Collection method: clinical testing. Allele origin: unknown.

Blueprint Genetics
Classification: Pathogenic for ALPL-related disorders. Last evaluated: 2022-11-08. Review status: criteria provided, single submitter. Criteria: ACMG Guidelines, 2015. Collection method: clinical testing. Allele origin: germline. Affected: yes. Observed: 1 variant allele.

GeneDx
Classification: Pathogenic. Last evaluated: 2022-09-09. Review status: criteria provided, single submitter. Criteria: GeneDx Variant Classification Process June 2021. Collection method: clinical testing. Allele origin: germline. Affected: yes.
Comment: Published functional studies demonstrate a damaging effect on enzyme activity (Del Angel et al., 2020); Not observed at significant frequency in large population cohorts (gnomAD); In silico analysis supports that this missense variant has a deleterious effect on protein structure/function; This variant is associated with the following publications: (PMID: 27274262, 28127875, 11547844, 29236161, 27149842, 32160374, 31400546, 35878747, 33069919, 34662886, 25731960)

Juno Genomics, Hangzhou Juno Genomics, Inc
Classification: Likely pathogenic for Adult hypophosphatasia; Childhood hypophosphatasia; Infantile hypophosphatasia. Review status: criteria provided, single submitter. Criteria: ACMG Guidelines, 2015. Collection method: clinical testing. Allele origin: germline.
Comment: Absent from controls (or at extremely low frequency if recessive) in Genome Aggregation Database.;Well-established in vitro or in vivo functional studies supportive of a damaging effect on the gene or gene product.;For recessive disorders, detected in trans with a pathogenic variant.;The prevalence of the variant in affected individuals is significantly increased compared to the prevalence in controls.;Patient's phenotype or family history is highly specific for a disease with a single genetic etiology.

Literature cited by the submitters: PubMed 25731960 (cited by 3 submitters); PubMed 35878747 (cited by 3 submitters); PubMed 32160374 (cited by 4 submitters); PubMed 33579333 (cited by 4 submitters); PubMed 28127875 (cited by 3 submitters); PubMed 11547844 (cited by 4 submitters); PubMed 29236161 (cited by Genomenon, Inc and Women's Health and Genetics/Laboratory Corporation of America, LabCorp); PubMed 33069919 (cited by Women's Health and Genetics/Laboratory Corporation of America, LabCorp); PubMed 31400546 (cited by Women's Health and Genetics/Laboratory Corporation of America, LabCorp); PubMed 27699270 (cited by Natera, Inc.); PubMed 36361766 (cited by Natera, Inc.); PubMed 32973344 (cited by Natera, Inc.).

NM_000478.6(ALPL):c.340G>A (p.Ala114Thr)

Gene: ALPL (alkaline phosphatase, biomineralization associated; plus strand). Cytogenetic location: 1p36.12.
Variant type: single nucleotide variant.
Coding change: c.340G>A on transcript NM_000478.6 (MANE Select); coding-DNA position 340, G replaced by A.
Protein change: p.Ala114Thr; replaces alanine 114 with threonine.
Molecular consequence: missense variant.
Genome position (GRCh38, 1-based): chr1:21,563,152, G>A. VCF-style: chr1-21563152-G-A. GRCh37 (hg19) VCF-style: chr1-21889645-G-A.
Other names: c.175G>A, p.Ala59Thr (NM_001127501.4); c.109G>A, p.Ala37Thr (NM_001177520.3); c.340G>A, p.Ala114Thr (NM_001369803.2, NM_001369804.2, NM_001369805.2); c.340G>A (NM_000478.5); short protein forms A114T, A37T, A59T.
Identifiers: ClinVar variation 449399 (VCV000449399.22), dbSNP rs1320839573, ClinGen allele CA338877136.